The following is an entry in ClinVar:

ClinVar aggregate classification (germline): Uncertain significance (1 of 4 stars; one submission).

Submission:

GeneDx
Classification: Uncertain significance. Last evaluated: 2023-12-13. Review status: criteria provided, single submitter. Criteria: GeneDx Variant Classification Process June 2021. Collection method: clinical testing. Allele origin: germline. Affected: yes.
Comment: Not observed at significant frequency in large population cohorts (gnomAD); In silico analysis supports that this missense variant has a deleterious effect on protein structure/function; Has not been previously published as pathogenic or benign to our knowledge

NM_001903.5(CTNNA1):c.2225T>A (p.Val742Asp)

Gene: CTNNA1 (catenin alpha 1; plus strand). Cytogenetic location: 5q31.2.
Variant type: single nucleotide variant.
Coding change: c.2225T>A on transcript NM_001903.5 (MANE Select); coding-DNA position 2225, T replaced by A.
Protein change: p.Val742Asp; replaces valine 742 with aspartic acid.
Molecular consequence: missense variant.
Genome position (GRCh38, 1-based): chr5:138,930,862, T>A. VCF-style: chr5-138930862-T-A. GRCh37 (hg19) VCF-style: chr5-138266551-T-A.
Other names: c.2225T>A, p.Val742Asp (NM_001290307.3, NM_001323982.2, NM_001323983.1 and 2 more transcripts); c.1916T>A, p.Val639Asp (NM_001290309.3); c.1856T>A, p.Val619Asp (NM_001290310.3); c.1115T>A, p.Val372Asp (NM_001290312.1, NM_001323987.1, NM_001323988.1 and 17 more transcripts); c.2132T>A, p.Val711Asp (NM_001323986.2); c.776T>A, p.Val259Asp (NM_001324006.1, NM_001324007.1, NM_001324008.1 and 2 more transcripts); c.1022T>A, p.Val341Asp (NM_001324011.1); c.872T>A, p.Val291Asp (NM_001324012.1, NM_001324013.1); short protein forms V259D, V291D, V341D, V372D, V619D, V639D, V711D, V742D.
Identifiers: ClinVar variation 3252858 (VCV003252858.1), dbSNP rs2533859933.